The following is an entry in ClinVar:

NM_015338.6(ASXL1):c.3395A>G (p.Glu1132Gly)

Gene: ASXL1 (ASXL transcriptional regulator 1; plus strand). Cytogenetic location: 20q11.21.
Variant type: single nucleotide variant.
Coding change: c.3395A>G on transcript NM_015338.6 (MANE Select); coding-DNA position 3395, A replaced by G.
Protein change: p.Glu1132Gly; replaces glutamic acid 1132 with glycine.
Molecular consequence: missense variant.
Genome position (GRCh38, 1-based): chr20:32,436,107, A>G. VCF-style: chr20-32436107-A-G. GRCh37 (hg19) VCF-style: chr20-31023910-A-G.
Other names: c.3212A>G, p.Glu1071Gly (NM_001363734.1); short protein forms E1132G, E1071G.
Identifiers: ClinVar variation 3791530 (VCV003791530.1).

ClinVar aggregate classification (germline): Uncertain significance (1 of 4 stars; one submission).

Conditions:
Inborn genetic diseases. Identifiers: MedGen C0950123, MeSH D030342.

Submission:

Ambry Genetics
Classification: Uncertain significance for Inborn genetic diseases. Last evaluated: 2024-12-20. Review status: criteria provided, single submitter. Criteria: Ambry Variant Classification Scheme 2023. Collection method: clinical testing. Allele origin: germline.
Comment: The p.E1132G variant (also known as c.3395A>G), located in coding exon 13 of the ASXL1 gene, results from an A to G substitution at nucleotide position 3395. The glutamic acid at codon 1132 is replaced by glycine, an amino acid with similar properties. This amino acid position is conserved. In addition, this alteration is predicted to be tolerated by in silico analysis. Based on the available evidence, the clinical significance of this variant remains unclear.